The following is an entry in ClinVar:

ClinVar aggregate classification (germline): Likely benign. Review status: criteria provided, multiple submitters, no conflicts (2 of 4 stars). 4 submissions from 4 submitters: Likely benign (3). 1 of the submissions does not count toward it. Last evaluated 2026-01-19.

Conditions:
ELANE-related disorder. Also called: ELANE-related condition.
Cyclical neutropenia. Also called: Cyclic hematopoiesis; Cyclic Neutropenia. Identifiers: Orphanet 2686, MedGen C0221023, MONDO:0008090, OMIM 162800, HP:0040289. Disease mechanism: loss of function.
Neutropenia, severe congenital, 1, autosomal dominant. Identifiers: MedGen C1859966, MONDO:0042490, OMIM 202700.
Inborn genetic diseases. Identifiers: MedGen C0950123, MeSH D030342.

Allele frequency attached by ClinVar (database versions not stated): TOPMed 0.00001; ExAC 0.00002; gnomAD 0.00002; gnomAD exomes 0.00002.
gnomAD v4.1: 28 of 1,612,728 alleles (0.0017%); highest among the groups gnomAD compares: Non-Finnish European, 0.0021%; no homozygotes.

Submissions (4):

Labcorp Genetics (formerly Invitae), Labcorp
Classification: Likely benign for Neutropenia, severe congenital, 1, autosomal dominant; Cyclical neutropenia. Last evaluated: 2026-01-19. Review status: criteria provided, single submitter. Criteria: Invitae Variant Classification Sherloc (09022015). Collection method: clinical testing. Allele origin: germline.

Ambry Genetics
Classification: Likely benign for Inborn genetic diseases. Last evaluated: 2024-11-28. Review status: criteria provided, single submitter. Criteria: Ambry Variant Classification Scheme 2023. Collection method: clinical testing. Allele origin: germline.

Blueprint Genetics
Classification: Likely benign. Last evaluated: 2024-03-05. Review status: criteria provided, single submitter. Criteria: ACMG Guidelines, 2015. Collection method: clinical testing. Allele origin: germline.

PreventionGenetics, part of Exact Sciences
Classification: Likely benign for ELANE-related condition. Last evaluated: 2023-05-26. Review status: no assertion criteria provided. Collection method: clinical testing. Allele origin: germline. Not counted in ClinVar's aggregate classification.
Comment: This variant is classified as likely benign based on ACMG/AMP sequence variant interpretation guidelines (Richards et al. 2015 PMID: 25741868, with internal and published modifications).

NM_001972.4(ELANE):c.780G>A (p.Pro260=)

Gene: ELANE (elastase, neutrophil expressed; plus strand). Cytogenetic location: 19p13.3.
Variant type: single nucleotide variant.
Coding change: c.780G>A on transcript NM_001972.4 (MANE Select); coding-DNA position 780, G replaced by A.
Protein change: p.Pro260=; no amino-acid change (proline 260 retained).
Molecular consequence: synonymous variant.
Genome position (GRCh38, 1-based): chr19:856,140, G>A. VCF-style: chr19-856140-G-A. GRCh37 (hg19) VCF-style: chr19-856140-G-A.
Other names: c.780G>A (NM_001972.3).
Identifiers: ClinVar variation 1925958 (VCV001925958.9), dbSNP rs201284307, ClinGen allele CA9026164.